The following is an entry in ClinVar:

NM_001308093.3(GATA4):c.830C>G (p.Thr277Ser)

Gene: GATA4 (GATA binding protein 4). Cytogenetic location: 8p23.1.
Variant type: single nucleotide variant.
Coding change: c.830C>G on transcript NM_001308093.3 (MANE Select); coding-DNA position 830, C replaced by G.
Protein change: p.Thr277Ser; replaces threonine 277 with serine.
Molecular consequence: missense variant. On other transcripts: intron variant (1).
Genome position (GRCh38, 1-based): chr8:11,750,154, C>G. VCF-style: chr8-11750154-C-G. GRCh37 (hg19) VCF-style: chr8-11607663-C-G.
Other names: c.209C>G, p.Thr70Ser (NM_001308094.2, NM_001374273.1); c.827C>G, p.Thr276Ser (NM_002052.5); c.165+1069C>G (NM_001374274.1); short protein forms T277S, T70S, T276S.
Identifiers: ClinVar variation 2566794 (VCV002566794.5), dbSNP rs1186411920, ClinGen allele CA370312989.

ClinVar aggregate classification (germline): Uncertain significance. Review status: criteria provided, multiple submitters, no conflicts (2 of 4 stars). 2 submissions from 2 submitters: Uncertain significance (2). Last evaluated 2024-11-04.

Conditions:
Cardiovascular phenotype. Identifiers: MedGen CN230736.
Atrioventricular septal defect 4 (AVSD4). Identifiers: MedGen C3280781, MONDO:0013747, OMIM 614430.

Allele frequency attached by ClinVar (database versions not stated): gnomAD 0.00001.
gnomAD v4.1: 2 of 1,613,140 alleles (0.00012%); highest among the groups gnomAD compares: African/African-American, 0.0027%; no homozygotes.

Submissions (2):

Labcorp Genetics (formerly Invitae), Labcorp
Classification: Uncertain significance for Atrioventricular septal defect 4. Last evaluated: 2024-11-04. Review status: criteria provided, single submitter. Criteria: Invitae Variant Classification Sherloc (09022015). Collection method: clinical testing. Allele origin: germline.
Comment: This sequence change replaces threonine, which is neutral and polar, with serine, which is neutral and polar, at codon 276 of the GATA4 protein (p.Thr276Ser). This variant is not present in population databases (gnomAD no frequency). This variant has not been reported in the literature in individuals affected with GATA4-related conditions. ClinVar contains an entry for this variant (Variation ID: 2566794). Invitae Evidence Modeling of protein sequence and biophysical properties (such as structural, functional, and spatial information, amino acid conservation, physicochemical variation, residue mobility, and thermodynamic stability) has been performed for this missense variant. However, the output from this modeling did not meet the statistical confidence thresholds required to predict the impact of this variant on GATA4 protein function. In summary, the available evidence is currently insufficient to determine the role of this variant in disease. Therefore, it has been classified as a Variant of Uncertain Significance.

Ambry Genetics
Classification: Uncertain significance for Cardiovascular phenotype. Last evaluated: 2023-04-09. Review status: criteria provided, single submitter. Criteria: Ambry Variant Classification Scheme 2023. Collection method: clinical testing. Allele origin: germline.
Comment: The p.T276S variant (also known as c.827C>G), located in coding exon 3 of the GATA4 gene, results from a C to G substitution at nucleotide position 827. The threonine at codon 276 is replaced by serine, an amino acid with similar properties. This amino acid position is conserved. In addition, this alteration is predicted to be deleterious by in silico analysis. Since supporting evidence is limited at this time, the clinical significance of this alteration remains unclear.